The following is an entry in ClinVar:

NM_001386795.1(DTNA):c.1265del (p.Ser422fs)

Gene: DTNA (dystrobrevin alpha; plus strand). Cytogenetic location: 18q12.1.
Variant type: Deletion.
Coding change: c.1265del on transcript NM_001386795.1 (MANE Select); coding-DNA position 1265, one base deleted (G; older notation c.1265delG).
Protein change: p.Ser422fs; shifts the reading frame from serine 422.
Molecular consequence: frameshift variant. On other transcripts: intron variant (33).
Genome position (GRCh38, 1-based): chr18:34,838,756, G deleted. VCF-style (leftmost placement, unchanged base first): chr18-34838755-AG-A. GRCh37 (hg19) VCF-style: chr18-32418719-AG-A.
Other names: c.311del, p.Ser104fs (NM_001198942.1); c.1265del, p.Ser422fs (NM_001386788.1); c.1184del, p.Ser395fs (NM_001390.5, NM_001391.5); c.1175del, p.Ser392fs (NM_032978.7); c.1095-9540del (NM_032975.4, NM_001386761.1, NM_001386762.1 and 1 more transcripts); c.1175+9267del (NM_001386754.1, NM_001386755.1, NM_001386760.1 and 5 more transcripts); c.1086-9540del (NM_001386763.1, NM_001386764.1, NM_001386768.1 and 13 more transcripts); c.604-13075del (NM_001198945.2); and 4 more; short protein forms S104fs, S392fs, S395fs, S422fs.
Identifiers: ClinVar variation 2505326 (VCV002505326.2), dbSNP rs1568718517, ClinGen allele CA919962801.

ClinVar aggregate classification (germline): Conflicting classifications of pathogenicity. Review status: criteria provided, conflicting classifications (1 of 4 stars). 2 submissions from 2 submitters: Likely pathogenic (1); Uncertain significance (1). Last evaluated 2025-04-22.

Conditions:
Left ventricular noncompaction 1 (LVNC1). Also called: LEFT VENTRICULAR NONCOMPACTION 1 WITH OR WITHOUT CONGENITAL HEART DEFECTS. Identifiers: Orphanet 54260, MedGen C1858725, MONDO:0011403, OMIM 604169.
Primary dilated cardiomyopathy (DCM). Also called: Dilated Cardiomyopathy. Identifiers: Orphanet 217604, MedGen C0007193, MeSH D002311, MONDO:0005021, HP:0001644. Inheritance: Various modes of inheritance.

Allele frequency attached by ClinVar (database versions not stated): gnomAD exomes below 0.00001; gnomAD 0.00001.

Submissions (2):

Labcorp Genetics (formerly Invitae), Labcorp
Classification: Uncertain significance for Left ventricular noncompaction 1. Last evaluated: 2025-04-22. Review status: criteria provided, single submitter. Criteria: Invitae Variant Classification Sherloc (09022015). Collection method: clinical testing. Allele origin: germline.
Comment: This sequence change creates a premature translational stop signal (p.Ser395Thrfs*2) in the DTNA gene. It is expected to result in an absent or disrupted protein product. However, the current clinical and genetic evidence is not sufficient to establish whether loss-of-function variants in DTNA cause disease. This variant is not present in population databases (gnomAD no frequency). This variant has not been reported in the literature in individuals affected with DTNA-related conditions. ClinVar contains an entry for this variant (Variation ID: 2505326). In summary, the available evidence is currently insufficient to determine the role of this variant in disease. Therefore, it has been classified as a Variant of Uncertain Significance.

Clinical Center for Gene Diagnosis and Therapy, Department of Cardiovascular Surgery, The Second Xiangya Hospital of Central South University
Classification: Likely pathogenic for Primary dilated cardiomyopathy. Last evaluated: 2023-06-01. Review status: criteria provided, single submitter. Criteria: ACMG Guidelines, 2015. Collection method: clinical testing. Allele origin: germline. Affected: yes.